The following is an entry in ClinVar:

ClinVar aggregate classification (germline): Uncertain significance (1 of 4 stars; one submission).

Conditions:
SEMA3C-related disorder. Also called: SEMA3C-related condition.

gnomAD v4.1: 39 of 1,613,334 alleles (0.0024%); highest among the groups gnomAD compares: South Asian, 0.043%; no homozygotes.

Submission:

PreventionGenetics, part of Exact Sciences
Classification: Uncertain significance for SEMA3C-related condition. Last evaluated: 2026-06-02. Review status: criteria provided, single submitter. Criteria: ACMG Guidelines, 2015. Collection method: clinical testing. Allele origin: germline.
Comment: The SEMA3C c.1764A>T variant is predicted to result in the amino acid substitution p.Lys588Asn. To our knowledge, this variant has not been reported in the literature. This variant is reported in 0.046% of alleles in individuals of South Asian descent in gnomAD. At this time, the clinical significance of this variant is uncertain due to the absence of conclusive functional and genetic evidence.

NM_006379.5(SEMA3C):c.1710A>T (p.Lys570Asn)

Gene: SEMA3C (semaphorin 3C; minus strand). Cytogenetic location: 7q21.11.
Variant type: single nucleotide variant.
Coding change: c.1710A>T on transcript NM_006379.5 (MANE Select); coding-DNA position 1710, A replaced by T.
Protein change: p.Lys570Asn; replaces lysine 570 with asparagine.
Molecular consequence: missense variant.
Genome position (GRCh38, 1-based): chr7:80,751,270, T>A on the plus strand (A>T on the coding strand, the complement: SEMA3C is on the minus strand). VCF-style: chr7-80751270-T-A. GRCh37 (hg19) VCF-style: chr7-80380586-T-A.
Other names: c.1764A>T, p.Lys588Asn (NM_001350120.2); c.1536A>T, p.Lys512Asn (NM_001350121.2); short protein forms K512N, K570N, K588N.
Identifiers: ClinVar variation 4985814 (VCV004985814.1).